The following is an entry in ClinVar:

ClinVar aggregate classification (germline): Likely benign. Review status: criteria provided, multiple submitters, no conflicts (2 of 4 stars). 2 submissions from 2 submitters: Likely benign (2). Last evaluated 2022-12-03.

Conditions:
Progressive myoclonic epilepsy. Also called: Myoclonic Epilepsies, Progressive; Familial progressive myoclonic epilepsy; Myoclonus epilepsy; Progressive myoclonus epilepsy. Identifiers: Orphanet 308, Orphanet 98261, MedGen C0751778, MONDO:0020074.

Submissions (2):

Labcorp Genetics (formerly Invitae), Labcorp
Classification: Likely benign for Progressive myoclonic epilepsy. Last evaluated: 2022-12-03. Review status: criteria provided, single submitter. Criteria: Invitae Variant Classification Sherloc (09022015). Collection method: clinical testing. Allele origin: germline.

GeneDx
Classification: Likely benign. Last evaluated: 2016-01-12. Review status: criteria provided, single submitter. Criteria: GeneDx Variant Classification (06012015). Collection method: clinical testing. Allele origin: germline. Affected: yes.
Comment: This variant is considered likely benign or benign based on one or more of the following criteria: it is a conservative change, it occurs at a poorly conserved position in the protein, it is predicted to be benign by multiple in silico algorithms, and/or has population frequency not consistent with disease.

NM_005506.4(SCARB2):c.1398+10_1398+22del

Gene: SCARB2 (scavenger receptor class B member 2; minus strand). Cytogenetic location: 4q21.1.
Variant type: Deletion.
Coding change: c.1398+10_1398+22del on transcript NM_005506.4 (MANE Select); bases 10 to 22 of the intron after coding-DNA position 1398, 13 bases deleted (GGCTGAAGGAACT).
Molecular consequence: intron variant.
Genome position (GRCh38, 1-based): chr4:76,163,203-76,163,215, AGTTCCTTCAGCC deleted on the plus strand (GGCTGAAGGAACT on the coding strand, the reverse complement: SCARB2 is on the minus strand); deleting any 13 consecutive bases within chr4:76,163,203-76,163,220 gives the same sequence; the c. name uses the placement nearest the transcript's 3' end. VCF-style (leftmost placement, unchanged base first): chr4-76163202-AAGTTCCTTCAGCC-A. GRCh37 (hg19) VCF-style: chr4-77084355-AAGTTCCTTCAGCC-A.
Other names: c.969+10_969+22del (NM_001204255.2); c.1398+10_1398+22delGGCTGAAGGAACT (NM_005506.3).
Identifiers: ClinVar variation 420325 (VCV000420325.9), dbSNP rs778683141, ClinGen allele CA2970103.